The following is an entry in ClinVar:

NC_000001.10:g.(?_63027268)_(63027394_?)del

Gene: DOCK7 (dedicator of cytokinesis 7; minus strand). Cytogenetic location: 1p31.3.
Variant type: Deletion.
Identifiers: ClinVar variation 3247841 (VCV003247841.1).

ClinVar aggregate classification (germline): Uncertain significance (1 of 4 stars; one submission).

Conditions:
Developmental and epileptic encephalopathy, 23 (DEE23). Also called: Epileptic encephalopathy, early infantile, 23. Identifiers: Orphanet 411986, MedGen C4014492, MONDO:0014371, OMIM 615859.

Submission:

Labcorp Genetics (formerly Invitae), Labcorp
Classification: Uncertain significance for Developmental and epileptic encephalopathy, 23. Last evaluated: 2023-12-21. Review status: criteria provided, single submitter. Criteria: Invitae Variant Classification Sherloc (09022015). Collection method: clinical testing. Allele origin: unknown.
Comment: This variant is a gross deletion of the genomic region encompassing exon(s) 19 of the DOCK7 gene. This variant would be expected to be in-frame, preserving the integrity of the reading frame. This variant has not been reported in the literature in individuals affected with DOCK7-related conditions. Experimental studies and prediction algorithms are not available or were not evaluated, and the functional significance of this variant is currently unknown. In summary, the available evidence is currently insufficient to determine the role of this variant in disease. Therefore, it has been classified as a Variant of Uncertain Significance.